The following is an entry in ClinVar:

ClinVar aggregate classification (germline): Uncertain significance (1 of 4 stars; one submission).

gnomAD v4.1: 33 of 1,613,800 alleles (0.002%); highest among the groups gnomAD compares: East Asian, 0.033%; no homozygotes.

Submission:

Athena Diagnostics
Classification: Uncertain significance. Last evaluated: 2025-02-13. Review status: criteria provided, single submitter. Criteria: Athena Diagnostics Criteria. Collection method: clinical testing. Allele origin: unknown.
Comment: Available data are insufficient to determine the clinical significance of the variant at this time. The frequency of this variant in the general population is uninformative in assessment of its pathogenicity. Polyphen and MutationTaster yielded discordant predictions regarding whether this amino acid change is damaging to the protein.

NM_181882.3(PRX):c.2968G>A (p.Asp990Asn)

Gene: PRX (periaxin; minus strand). Cytogenetic location: 19q13.2.
Variant type: single nucleotide variant.
Coding change: c.2968G>A on transcript NM_181882.3 (MANE Select); coding-DNA position 2968, G replaced by A.
Protein change: p.Asp990Asn; replaces aspartic acid 990 with asparagine.
Molecular consequence: missense variant. On other transcripts: 3 prime UTR variant (1).
Genome position (GRCh38, 1-based): chr19:40,395,384, C>T on the plus strand (G>A on the coding strand, the complement: PRX is on the minus strand). VCF-style: chr19-40395384-C-T. GRCh37 (hg19) VCF-style: chr19-40901291-C-T.
Other names: c.3253G>A, p.Asp1085Asn (NM_001411127.1); c.*3173G>A (NM_020956.2); short protein forms D1085N, D990N.
Identifiers: ClinVar variation 4682230 (VCV004682230.1).
Genomic context (GRCh38, chr19:40,395,384, plus strand): 5'-CCACCTCTACCTTGCCTGAGGGCAGGTGGGCATCCAGGCTGAGCTGTGGGATGGACAGAT[C>T]GAGGGCAGGCAGCAGGCCTGCCTCCCCAGCCCCTTTGGCCTCAGCCTCAGCCCCCACCCG-3'
Protein context (NP_870998.2, residues 980-1000): AGEAGLLPAL[Asp990Asn]LSIPQLSLDA